The following is an entry in ClinVar:

ClinVar aggregate classification (germline): Pathogenic. Review status: criteria provided, single submitter (1 of 4 stars). 2 submissions from 1 submitter: Pathogenic (2). Last evaluated 2022-03-19.

Conditions:
Naxos disease (NXD). Also called: CARDIOMYOPATHY, ARRHYTHMOGENIC RIGHT VENTRICULAR, WITH SKIN, HAIR, AND NAIL ABNORMALITIES; KERATOSIS PALMOPLANTARIS WITH ARRHYTHMOGENIC CARDIOMYOPATHY; MAL DE NAXOS; PALMOPLANTAR KERATODERMA WITH ARRHYTHMOGENIC RIGHT VENTRICULAR CARDIOMYOPATHY AND WOOLLY HAIR; WOOLLY HAIR, PALMOPLANTAR KERATODERMA, AND CARDIAC ABNORMALITIES. Identifiers: Orphanet 34217, MedGen C1832600, MONDO:0011017, OMIM 601214.
Arrhythmogenic right ventricular dysplasia 12. Also called: ARRHYTHMOGENIC RIGHT VENTRICULAR DYSPLASIA, FAMILIAL, 12. Identifiers: MedGen C1969081, MONDO:0012684, OMIM 611528.

Submissions (2):

Labcorp Genetics (formerly Invitae), Labcorp
Classification: Pathogenic for Arrhythmogenic right ventricular dysplasia 12; Naxos disease. Last evaluated: 2022-03-19. Review status: criteria provided, single submitter. Criteria: Invitae Variant Classification Sherloc (09022015). Collection method: clinical testing. Allele origin: germline.
Comment: For these reasons, this variant has been classified as Pathogenic. ClinVar contains an entry for this variant (Variation ID: 464030). This variant has not been reported in the literature in individuals affected with JUP-related conditions. This variant is not present in population databases (gnomAD no frequency). This sequence change creates a premature translational stop signal (p.Gln63Argfs*97) in the JUP gene. It is expected to result in an absent or disrupted protein product. Loss-of-function variants in JUP are known to be pathogenic (PMID: 10902626).

Labcorp Genetics (formerly Invitae), Labcorp
Classification: Pathogenic for Naxos disease. Last evaluated: 2017-08-04. Review status: criteria provided, single submitter. Criteria: Invitae Variant Classification Sherloc (09022015). Collection method: clinical testing. Allele origin: germline.
Comment: This sequence change creates a premature translational stop signal (p.Gln63Argfs*97) in the JUP gene. It is expected to result in an absent or disrupted protein product. This variant is not present in population databases (ExAC no frequency). This variant has not been reported in the literature in individuals with JUP-related disease. Loss-of-function variants in JUP are known to be pathogenic (PMID: 10902626). For these reasons, this variant has been classified as Pathogenic.

Literature cited by the submitters: PubMed 10902626.

NM_002230.4(JUP):c.188del (p.Gln63fs)

Gene: JUP (junction plakoglobin; minus strand). Cytogenetic location: 17q21.2.
Variant type: Deletion.
Coding change: c.188del on transcript NM_002230.4 (MANE Select); coding-DNA position 188, one base deleted (A; older notation c.188delA).
Protein change: p.Gln63fs; shifts the reading frame from glutamine 63.
Molecular consequence: frameshift variant.
Genome position (GRCh38, 1-based): chr17:41,771,667, T deleted on the plus strand (A on the coding strand, the reverse complement: JUP is on the minus strand). VCF-style (leftmost placement, unchanged base first): chr17-41771666-CT-C. GRCh37 (hg19) VCF-style: chr17-39927918-CT-C.
Other names: c.188del, p.Gln63fs (NM_001352773.2, NM_001352774.2, NM_001352775.2 and 3 more transcripts); short protein forms Q63fs.
Identifiers: ClinVar variation 464030 (VCV000464030.7), dbSNP rs1555606936, ClinGen allele CA658658618.